The following is an entry in ClinVar:

ClinVar aggregate classification (germline): Pathogenic (1 of 4 stars; one submission).

Conditions:
Bardet-Biedl syndrome (BBS). Identifiers: Orphanet 110, MedGen C0752166, MONDO:0015229.

Submission:

Labcorp Genetics (formerly Invitae), Labcorp
Classification: Pathogenic for Bardet-Biedl syndrome. Last evaluated: 2026-01-28. Review status: criteria provided, single submitter. Criteria: Invitae Variant Classification Sherloc (09022015). Collection method: clinical testing. Allele origin: germline.
Comment: This sequence change creates a premature translational stop signal (p.Gln309Ilefs*14) in the BBS5 gene. While this is not anticipated to result in nonsense mediated decay, it is expected to disrupt the last 33 amino acid(s) of the BBS5 protein. This variant is not present in population databases (gnomAD no frequency). This premature translational stop signal has been observed in individual(s) with clinical features of Bardet-Biedl syndrome (PMID: 32811249). In at least one individual the data is consistent with being in trans (on the opposite chromosome) from a pathogenic variant. It has also been observed to segregate with disease in related individuals. ClinVar contains an entry for this variant (Variation ID: 846188). Algorithms developed to predict the effect of sequence changes on RNA splicing suggest that this variant may disrupt the consensus splice site. This variant disrupts a region of the BBS5 protein in which other variant(s) ( p.Glu319del) have been observed in individuals with BBS5-related conditions (PMID: 26355662). This suggests that this is a clinically significant region of the protein, and that variants that disrupt it are likely to be disease-causing. For these reasons, this variant has been classified as Pathogenic.

Literature cited by the submitters: PubMed 32811249; PubMed 26355662.

NC_000002.12:g.169504481_169504487del

Gene: BBS5 (Bardet-Biedl syndrome 5; plus strand). Cytogenetic location: 2q31.1.
Variant type: Deletion.
Genome position: GRCh38 VCF-style: chr2-169504477-AAAGCAAC-A. GRCh37 (hg19) VCF-style: chr2-170360987-AAAGCAAC-A.
Identifiers: ClinVar variation 846188 (VCV000846188.11), ClinGen allele CA916084326.